The following is an entry in ClinVar:

NM_032575.3(GLIS2):c.*278C>T

Gene: GLIS2 (GLIS family zinc finger 2; plus strand). Cytogenetic location: 16p13.3.
Variant type: single nucleotide variant.
Coding change: c.*278C>T on transcript NM_032575.3 (MANE Select); 278 bases downstream of the stop codon, C replaced by T.
Molecular consequence: 3 prime UTR variant.
Genome position (GRCh38, 1-based): chr16:4,337,802, C>T. VCF-style: chr16-4337802-C-T. GRCh37 (hg19) VCF-style: chr16-4387803-C-T.
Other names: c.*278C>T (NM_001318918.2).
Identifiers: ClinVar variation 319234 (VCV000319234.5), dbSNP rs116692282, ClinGen allele CA10648382.

ClinVar aggregate classification (germline): Benign (1 of 4 stars; one submission).

Conditions:
Nephronophthisis 7 (NPHP7). Identifiers: Orphanet 655, MedGen C1969092, MONDO:0012680, OMIM 611498.

Allele frequency attached by ClinVar (database versions not stated): gnomAD exomes 0.00087; 1000 Genomes Project 0.00759; gnomAD 0.00782 and 0.00854; 1000 Genomes Project 30x 0.00843; TOPMed 0.00903.
gnomAD v4.1: 1,575 of 578,614 alleles (0.27%); highest among the groups gnomAD compares: African/African-American, 2.7%; 14 homozygotes.

Submission:

Illumina Laboratory Services, Illumina
Classification: Benign for Nephronophthisis 7. Last evaluated: 2018-01-12. Review status: criteria provided, single submitter. Criteria: ICSL Variant Classification Criteria 13 December 2019. Collection method: clinical testing. Allele origin: germline.
Comment: This variant was observed in the ICSL laboratory as part of a predisposition screen in an ostensibly healthy population. It had not been previously curated by ICSL or reported in the Human Gene Mutation Database (HGMD: prior to June 1st, 2018), and was therefore a candidate for classification through an automated scoring system. Utilizing variant allele frequency, disease prevalence and penetrance estimates, and inheritance mode, an automated score was calculated to assess if this variant is too frequent to cause the disease. Based on the score and internal cut-off values, a variant classified as benign is not then subjected to further curation. The score for this variant resulted in a classification of benign for this disease.